The following is an entry in ClinVar:

NM_018026.4(PACS1):c.357-4C>T

Gene: PACS1 (phosphofurin acidic cluster sorting protein 1; plus strand). Cytogenetic location: 11q13.2.
Variant type: single nucleotide variant.
Coding change: c.357-4C>T on transcript NM_018026.4 (MANE Select); 4 bases into the intron before coding-DNA position 357, C replaced by T.
Molecular consequence: intron variant.
Genome position (GRCh38, 1-based): chr11:66,193,482, C>T. VCF-style: chr11-66193482-C-T. GRCh37 (hg19) VCF-style: chr11-65960953-C-T.
Identifiers: ClinVar variation 1704582 (VCV001704582.10), dbSNP rs372582742, ClinGen allele CA6116223.

ClinVar aggregate classification (germline): Conflicting classifications of pathogenicity. Review status: criteria provided, conflicting classifications (1 of 4 stars). 3 submissions from 3 submitters: Uncertain significance (1); Likely benign (2). Last evaluated 2025-04-30.

Conditions:
Schuurs-Hoeijmakers syndrome. Also called: PACS1-Related Neurodevelopmental Disorder. Identifiers: Orphanet 329224, MedGen C3554343, MONDO:0014006, OMIM 615009.
Inborn genetic diseases. Identifiers: MedGen C0950123, MeSH D030342.

Allele frequency attached by ClinVar (database versions not stated): gnomAD exomes 0.00001; gnomAD 0.00003; ExAC 0.00001; TOPMed 0.00002; ESP Exome Variant Server 0.00015.
gnomAD v4.1: 18 of 1,604,662 alleles (0.0011%); highest among the groups gnomAD compares: Non-Finnish European, 0.0015%; no homozygotes.

Submissions (3):

Women's Health and Genetics/Laboratory Corporation of America, LabCorp
Classification: Likely benign. Last evaluated: 2025-04-30. Review status: criteria provided, single submitter. Criteria: LabCorp Variant Classification Summary - May 2015. Collection method: clinical testing. Allele origin: germline.

Labcorp Genetics (formerly Invitae), Labcorp
Classification: Likely benign for Schuurs-Hoeijmakers syndrome. Last evaluated: 2024-08-13. Review status: criteria provided, single submitter. Criteria: Invitae Variant Classification Sherloc (09022015). Collection method: clinical testing. Allele origin: germline.

Ambry Genetics
Classification: Uncertain significance for Inborn genetic diseases. Last evaluated: 2017-07-25. Review status: criteria provided, single submitter. Criteria: Ambry Variant Classification Scheme 2023. Collection method: clinical testing. Allele origin: germline.
Comment: The c.357-4C>T intronic variant results from a C to T substitution 4 nucleotides upstream from coding exon 2 in the PACS1 gene. This nucleotide position is not well conserved in available vertebrate species. Using the BDGP and ESEfinder splice site prediction tools, this alteration is not predicted to have any significant effect on this splice acceptor site; however, direct evidence is unavailable. Since supporting evidence is limited at this time, the clinical significance of this alteration remains unclear.